The following is an entry in ClinVar:

NM_002661.5(PLCG2):c.2581+5G>A

Gene: PLCG2 (phospholipase C gamma 2; plus strand). Cytogenetic location: 16q23.3.
Variant type: single nucleotide variant.
Coding change: c.2581+5G>A on transcript NM_002661.5 (MANE Select); 5 bases into the intron after coding-DNA position 2581, G replaced by A.
Molecular consequence: intron variant.
Genome position (GRCh38, 1-based): chr16:81,928,629, G>A. VCF-style: chr16-81928629-G-A. GRCh37 (hg19) VCF-style: chr16-81962234-G-A.
Identifiers: ClinVar variation 1346704 (VCV001346704.8), dbSNP rs769466948, ClinGen allele CA8194349.

ClinVar aggregate classification (germline): Uncertain significance. Review status: criteria provided, multiple submitters, no conflicts (2 of 4 stars). 2 submissions from 2 submitters: Uncertain significance (2). Last evaluated 2022-07-26.

Conditions:
Familial cold autoinflammatory syndrome 3 (FCAS3). Also called: FAMILIAL ATYPICAL COLD URTICARIA; ANTIBODY DEFICIENCY AND IMMUNE DYSREGULATION, PLCG2-ASSOCIATED. Identifiers: Orphanet 300359, MedGen C3280914, MONDO:0013766, OMIM 614468.
Autoinflammation-PLCG2-associated antibody deficiency-immune dysregulation. Also called: AUTOINFLAMMATION, ANTIBODY DEFICIENCY, AND IMMUNE DYSREGULATION; Autoinflammation, antibody deficiency, and immune dysregulation syndrome; Autoinflammation, antibody deficiency, and immune dysregulation, plcg2-associated. Identifiers: Orphanet 324530, MedGen C3553961, MONDO:0013944, OMIM 614878.

Allele frequency attached by ClinVar (database versions not stated): gnomAD 0.00001; gnomAD exomes 0.00001; TOPMed 0.00001; ExAC 0.00002.
gnomAD v4.1: 11 of 1,584,018 alleles (0.00069%); highest among the groups gnomAD compares: Middle Eastern, 0.017%; no homozygotes.

Submissions (3):

Labcorp Genetics (formerly Invitae), Labcorp
Classification: Uncertain significance for Familial cold autoinflammatory syndrome 3. Last evaluated: 2022-07-26. Review status: criteria provided, single submitter. Criteria: Invitae Variant Classification Sherloc (09022015). Collection method: clinical testing. Allele origin: germline.
Comment: Variants that disrupt the consensus splice site are a relatively common cause of aberrant splicing (PMID: 17576681, 9536098). Algorithms developed to predict the effect of sequence changes on RNA splicing suggest that this variant may create or strengthen a splice site. In summary, the available evidence is currently insufficient to determine the role of this variant in disease. Therefore, it has been classified as a Variant of Uncertain Significance. ClinVar contains an entry for this variant (Variation ID: 1346704). This sequence change falls in intron 24 of the PLCG2 gene. It does not directly change the encoded amino acid sequence of the PLCG2 protein. It affects a nucleotide within the consensus splice site. This variant is present in population databases (rs769466948, gnomAD 0.003%). This variant has not been reported in the literature in individuals affected with PLCG2-related conditions.

Fulgent Genetics
Classification: Uncertain significance for Familial cold autoinflammatory syndrome 3; Autoinflammation-PLCG2-associated antibody deficiency-immune dysregulation. Last evaluated: 2022-03-01. Review status: criteria provided, single submitter. Criteria: ACMG Guidelines, 2015. Collection method: clinical testing. Allele origin: unknown.

Dr. Peter K. Rogan Lab, Western University
No classification provided (evidence only). Condition: Gastric cancer. Review status: no classification provided. Collection method: in vitro. Allele origin: not applicable. Functional consequence: retained intron. Not counted in ClinVar's aggregate classification.

Literature cited by the submitters: PubMed 17576681 (cited by Labcorp Genetics (formerly Invitae), Labcorp); PubMed 9536098 (cited by Labcorp Genetics (formerly Invitae), Labcorp).